The following is an entry in ClinVar:

ClinVar aggregate classification (germline): Uncertain significance (1 of 4 stars; one submission).

Submission:

CeGaT Center for Human Genetics Tuebingen
Classification: Uncertain significance. Last evaluated: 2023-03-01. Review status: criteria provided, single submitter. Criteria: CeGaT Center For Human Genetics Tuebingen Variant Classification Criteria Version 2. Collection method: clinical testing. Allele origin: germline. Affected: yes. Observed: 1 variant allele.
Comment: EBF3: PM1, PM2, PP2

NM_001375380.1(EBF3):c.580T>C (p.Cys194Arg)

Gene: EBF3 (EBF transcription factor 3; minus strand). Cytogenetic location: 10q26.3.
Variant type: single nucleotide variant.
Coding change: c.580T>C on transcript NM_001375380.1 (MANE Select); coding-DNA position 580, T replaced by C.
Protein change: p.Cys194Arg; replaces cysteine 194 with arginine.
Molecular consequence: missense variant.
Genome position (GRCh38, 1-based): chr10:129,877,824, A>G on the plus strand (T>C on the coding strand, the complement: EBF3 is on the minus strand). VCF-style: chr10-129877824-A-G. GRCh37 (hg19) VCF-style: chr10-131676088-A-G.
Other names: c.580T>C, p.Cys194Arg (NM_001375389.1, NM_001375390.1, NM_001375391.1 and 3 more transcripts); short protein forms C194R.
Identifiers: ClinVar variation 2498473 (VCV002498473.28), dbSNP rs2494085667, ClinGen allele CA378910351.
Genomic context (GRCh38, chr10:129,877,824, plus strand): 5'-ATACCTGGAATCTCCGCATATCTCGAGGGTTGCCTGCATTCTTCAAACAGTTCTGATTGC[A>G]CTTGAGGAAAAACTTTAGAAAGAATCTATAAAAAATACAAAAAGATGATATTTATTAGGG-3'
Protein context (NP_001362309.1, residues 184-204): DRFFLKFFLK[Cys194Arg]NQNCLKNAGN